The following is an entry in ClinVar:

NM_006231.4(POLE):c.3629dup (p.Pro1210_Asp1211insTer)

Gene: POLE (DNA polymerase epsilon, catalytic subunit; minus strand). Cytogenetic location: 12q24.33.
Variant type: Duplication.
Coding change: c.3629dup on transcript NM_006231.4 (MANE Select); coding-DNA position 3629, one base duplicated (C; older notation c.3629dupC).
Protein change: p.Pro1210_Asp1211insTer.
Molecular consequence: frameshift variant.
Genome position (GRCh38, 1-based): chr12:132,649,843, G duplicated on the plus strand (C on the coding strand, the reverse complement: POLE is on the minus strand); the first of 2 consecutive G bases (chr12:132,649,843-132,649,844); duplicating either gives the same sequence. VCF-style (leftmost placement, unchanged base first): chr12-132649842-A-AG. GRCh37 (hg19) VCF-style: chr12-133226428-A-AG.
Identifiers: ClinVar variation 548812 (VCV000548812.13), dbSNP rs1555224111, ClinGen allele CA658822757.

ClinVar aggregate classification (germline): Conflicting classifications of pathogenicity. Review status: criteria provided, conflicting classifications (1 of 4 stars). 3 submissions from 3 submitters: Pathogenic (1); Uncertain significance (1). 1 of the submissions does not count toward it. Last evaluated 2026-01-09.

Conditions:
Hereditary cancer-predisposing syndrome. Also called: Tumor predisposition; Hereditary Cancer Syndrome; Neoplastic Syndromes, Hereditary; Hereditary neoplastic syndrome. Identifiers: Orphanet 140162, MedGen C0027672, MeSH D009386, MONDO:0015356.
Colorectal cancer, susceptibility to, 12 (CRCS12). Also called: COLORECTAL CANCER, SUSCEPTIBILITY TO, ON CHROMOSOME 12q24. Identifiers: Orphanet 220460, MedGen C3554460, MONDO:0014038, OMIM 615083.

Submissions (3):

Ambry Genetics
Classification: Uncertain significance for Hereditary cancer-predisposing syndrome. Last evaluated: 2026-01-09. Review status: criteria provided, single submitter. Criteria: Ambry Variant Classification Scheme 2023. Collection method: clinical testing. Allele origin: germline.
Comment: The c.3629dupC variant, located in coding exon 30 of the POLE gene, results from a duplication of C at nucleotide position 3629, causing a translational frameshift with a predicted alternate stop codon (p.D1211*). This alteration is expected to result in loss of function by premature protein truncation or nonsense-mediated mRNA decay. Although biallelic loss of function of POLE has been associated with autosomal recessive POLE deficiency, haploinsufficiency of POLE has not been established as a mechanism of disease for POLE-related polymerase proofreading-associated polyposis (PPAP) and POLE-related CMMRD-like syndrome. Based on the supporting evidence, this variant is expected to be causative of POLE deficiency when present along with a second pathogenic variant on the other allele; however, its clinical significance for PPAP and POLE-related CMMRD-like syndrome is unclear.

Labcorp Genetics (formerly Invitae), Labcorp
Classification: Pathogenic. Last evaluated: 2026-01-02. Review status: criteria provided, single submitter. Criteria: Invitae Variant Classification Sherloc (09022015). Collection method: clinical testing. Allele origin: germline.
Comment: This sequence change creates a premature translational stop signal (p.Asp1211*) in the POLE gene. It is expected to result in an absent or disrupted protein product. Loss-of-function variants in POLE are known to be pathogenic (PMID: 23230001, 25948378, 30503519). This variant is not present in population databases (gnomAD no frequency). This variant has not been reported in the literature in individuals affected with POLE-related conditions. ClinVar contains an entry for this variant (Variation ID: 548812). For these reasons, this variant has been classified as Pathogenic.

Counsyl
Classification: Uncertain significance for Colorectal cancer, susceptibility to, 12. Last evaluated: 2017-11-27. Review status: no assertion criteria provided. Collection method: clinical testing. Allele origin: unknown. Not counted in ClinVar's aggregate classification.

Literature cited by the submitters: PubMed 23230001 (cited by Labcorp Genetics (formerly Invitae), Labcorp); PubMed 25948378 (cited by Labcorp Genetics (formerly Invitae), Labcorp); PubMed 30503519 (cited by Labcorp Genetics (formerly Invitae), Labcorp).